The following is an entry in ClinVar:

NM_001370466.1(NOD2):c.794C>A (p.Ala265Glu)

Gene: NOD2 (nucleotide binding oligomerization domain containing 2; plus strand). Cytogenetic location: 16q12.1.
Variant type: single nucleotide variant.
Coding change: c.794C>A on transcript NM_001370466.1 (MANE Select); coding-DNA position 794, C replaced by A.
Protein change: p.Ala265Glu; replaces alanine 265 with glutamic acid.
Molecular consequence: missense variant. On other transcripts: non-coding transcript variant (1).
Genome position (GRCh38, 1-based): chr16:50,710,786, C>A. VCF-style: chr16-50710786-C-A. GRCh37 (hg19) VCF-style: chr16-50744697-C-A.
Other names: c.794C>A, p.Ala265Glu (NM_001293557.2); c.875C>A, p.Ala292Glu (NM_022162.3); short protein forms A292E, A265E.
Identifiers: ClinVar variation 1349221 (VCV001349221.8), dbSNP rs149338478, ClinGen allele CA395867752.

ClinVar aggregate classification (germline): Uncertain significance (1 of 4 stars; one submission).

Conditions:
Blau syndrome (BLAUS). Also called: GRANULOMATOSIS, FAMILIAL JUVENILE SYSTEMIC; GRANULOMATOSIS, FAMILIAL, BLAU TYPE; GRANULOMATOUS INFLAMMATORY ARTHRITIS, DERMATITIS, AND UVEITIS, FAMILIAL; JABS SYNDROME; ARTHROCUTANEOUVEAL GRANULOMATOSIS. Identifiers: Orphanet 90340, MedGen C5201146, MONDO:0008523, OMIM 186580.
Regional enteritis. Also called: Enteritis, Granulomatous. Identifiers: MedGen C0678202, MeSH D003424.

Submission:

Labcorp Genetics (formerly Invitae), Labcorp
Classification: Uncertain significance for Regional enteritis; Blau syndrome. Last evaluated: 2022-03-19. Review status: criteria provided, single submitter. Criteria: Invitae Variant Classification Sherloc (09022015). Collection method: clinical testing. Allele origin: germline.
Comment: In summary, the available evidence is currently insufficient to determine the role of this variant in disease. Therefore, it has been classified as a Variant of Uncertain Significance. Advanced modeling of protein sequence and biophysical properties (such as structural, functional, and spatial information, amino acid conservation, physicochemical variation, residue mobility, and thermodynamic stability) performed at Invitae indicates that this missense variant is not expected to disrupt NOD2 protein function. This variant has not been reported in the literature in individuals affected with NOD2-related conditions. This variant is not present in population databases (gnomAD no frequency). This sequence change replaces alanine, which is neutral and non-polar, with glutamic acid, which is acidic and polar, at codon 292 of the NOD2 protein (p.Ala292Glu).